The following is an entry in ClinVar:

NM_000138.5(FBN1):c.2357G>A (p.Gly786Glu)

Gene: FBN1 (fibrillin 1; minus strand). Cytogenetic location: 15q21.1.
Variant type: single nucleotide variant.
Coding change: c.2357G>A on transcript NM_000138.5 (MANE Select); coding-DNA position 2357, G replaced by A.
Protein change: p.Gly786Glu; replaces glycine 786 with glutamic acid.
Molecular consequence: missense variant.
Genome position (GRCh38, 1-based): chr15:48,496,162, C>T on the plus strand (G>A on the coding strand, the complement: FBN1 is on the minus strand). VCF-style: chr15-48496162-C-T. GRCh37 (hg19) VCF-style: chr15-48788359-C-T.
Other names: c.2357G>A, p.Gly786Glu (NM_001406716.1); short protein forms G786E.
Identifiers: ClinVar variation 1810032 (VCV001810032.1), dbSNP rs2505573643, ClinGen allele CA392335423.

ClinVar aggregate classification (germline): Uncertain significance (1 of 4 stars; one submission).

Submission:

GeneDx
Classification: Uncertain significance. Last evaluated: 2022-06-30. Review status: criteria provided, single submitter. Criteria: GeneDx Variant Classification Process June 2021. Collection method: clinical testing. Allele origin: germline. Affected: yes.
Comment: Identified in a patient referred for FBN1 analysis, however clinical features and diagnosis were not specified (Stheneur et al., 2009); Not observed at significant frequency in large population cohorts (gnomAD); In silico analysis supports that this missense variant has a deleterious effect on protein structure/function; Although located in a calcium-binding EGF-like domain of the FBN1 gene, it does not affect a cysteine residue within this domain; cysteine substitutions in the calcium-binding EGF-like domains represent the majority of pathogenic missense changes associated with FBN1-related disorders (Collod-Beroud et al., 2003); This variant is associated with the following publications: (PMID: 12938084, 19293843)